The following is an entry in ClinVar:

ClinVar aggregate classification (germline): Pathogenic (1 of 4 stars; one submission).

Submission:

Labcorp Genetics (formerly Invitae), Labcorp
Classification: Pathogenic. Last evaluated: 2025-10-03. Review status: criteria provided, single submitter. Criteria: Invitae Variant Classification Sherloc (09022015). Collection method: clinical testing. Allele origin: germline.
Comment: This sequence change creates a premature translational stop signal (p.Lys693Asnfs*7) in the TET2 gene. It is expected to result in an absent or disrupted protein product. Loss-of-function variants in TET2 are known to be pathogenic (PMID: 36066697). This variant is not present in population databases (gnomAD no frequency). This variant has not been reported in the literature in individuals affected with TET2-related conditions. For these reasons, this variant has been classified as Pathogenic.

Literature cited by the submitters: PubMed 36066697.

NM_001127208.3(TET2):c.2079del (p.Lys693fs)

Genes: TET2 (tet methylcytosine dioxygenase 2; plus strand), TET2-AS1 (TET2 antisense RNA 1; minus strand). Cytogenetic location: 4q24.
Variant type: Deletion.
Coding change: c.2079del on transcript NM_001127208.3 (MANE Select); coding-DNA position 2079, one base deleted (A; older notation c.2079delA).
Protein change: p.Lys693fs; shifts the reading frame from lysine 693.
Molecular consequence: frameshift variant.
Genome position (GRCh38, 1-based): chr4:105,236,021, A deleted; the last of 5 consecutive A bases (chr4:105,236,017-105,236,021); deleting any one gives the same sequence. VCF-style (leftmost placement, unchanged base first): chr4-105236016-GA-G. GRCh37 (hg19) VCF-style: chr4-106157173-GA-G.
Other names: c.2079del, p.Lys693fs (NM_017628.4); short protein forms K693fs.
Identifiers: ClinVar variation 4780369 (VCV004780369.1).